The following is an entry in ClinVar:

ClinVar aggregate classification (germline): Benign/Likely benign. Review status: criteria provided, multiple submitters, no conflicts (2 of 4 stars). 3 submissions from 3 submitters: Benign (1); Likely benign (1). 1 of the submissions does not count toward it. Last evaluated 2025-09-02.

Conditions:
RAI1-related disorder. Also called: RAI1-related condition.
Inborn genetic diseases. Identifiers: MedGen C0950123, MeSH D030342.

Allele frequency attached by ClinVar (database versions not stated): TOPMed below 0.00001; ExAC 0.00002; gnomAD exomes 0.00002 and 0.00003.
gnomAD v4.1: 41 of 1,612,712 alleles (0.0025%); highest among the groups gnomAD compares: Admixed American, 0.005%; no homozygotes.

Submissions (3):

Labcorp Genetics (formerly Invitae), Labcorp
Classification: Benign. Last evaluated: 2025-09-02. Review status: criteria provided, single submitter. Criteria: Invitae Variant Classification Sherloc (09022015). Collection method: clinical testing. Allele origin: germline.

Ambry Genetics
Classification: Likely benign for Inborn genetic diseases. Last evaluated: 2025-04-11. Review status: criteria provided, single submitter. Criteria: Ambry Variant Classification Scheme 2023. Collection method: clinical testing. Allele origin: germline.

PreventionGenetics, part of Exact Sciences
Classification: Uncertain significance for RAI1-related condition. Last evaluated: 2024-03-07. Review status: no assertion criteria provided. Collection method: clinical testing. Allele origin: germline. Not counted in ClinVar's aggregate classification.
Comment: The RAI1 c.2644G>A variant is predicted to result in the amino acid substitution p.Glu882Lys. To our knowledge, this variant has not been reported in the literature. This variant is reported in 0.0058% of alleles in individuals of Latino descent in gnomAD. At this time, the clinical significance of this variant is uncertain due to the absence of conclusive functional and genetic evidence.

NM_030665.4(RAI1):c.2644G>A (p.Glu882Lys)

Gene: RAI1 (retinoic acid induced 1; plus strand). Cytogenetic location: 17p11.2.
Variant type: single nucleotide variant.
Coding change: c.2644G>A on transcript NM_030665.4 (MANE Select); coding-DNA position 2644, G replaced by A.
Protein change: p.Glu882Lys; replaces glutamic acid 882 with lysine.
Molecular consequence: missense variant.
Genome position (GRCh38, 1-based): chr17:17,795,592, G>A. VCF-style: chr17-17795592-G-A. GRCh37 (hg19) VCF-style: chr17-17698906-G-A.
Other names: c.2644G>A (NM_030665.3); short protein forms E882K.
Identifiers: ClinVar variation 1423012 (VCV001423012.8), dbSNP rs757023203, ClinGen allele CA8418575.